The following is an entry in ClinVar:

NM_016111.4(TELO2):c.7C>A (p.Pro3Thr)

Gene: TELO2 (telomere maintenance 2; plus strand). Cytogenetic location: 16p13.3.
Variant type: single nucleotide variant.
Coding change: c.7C>A on transcript NM_016111.4 (MANE Select); coding-DNA position 7, C replaced by A.
Protein change: p.Pro3Thr; replaces proline 3 with threonine.
Molecular consequence: missense variant.
Genome position (GRCh38, 1-based): chr16:1,494,288, C>A. VCF-style: chr16-1494288-C-A. GRCh37 (hg19) VCF-style: chr16-1544289-C-A.
Other names: c.7C>A, p.Pro3Thr (NM_001351846.2); short protein forms P3T.
Identifiers: ClinVar variation 2229669 (VCV002229669.2), dbSNP rs763385864, ClinGen allele CA394205133.

ClinVar aggregate classification (germline): Uncertain significance (1 of 4 stars; one submission).

Conditions:
Inborn genetic diseases. Identifiers: MedGen C0950123, MeSH D030342.

Allele frequency attached by ClinVar (database versions not stated): gnomAD 0.00001.

Submission:

Ambry Genetics
Classification: Uncertain significance for Inborn genetic diseases. Last evaluated: 2021-03-18. Review status: criteria provided, single submitter. Criteria: Ambry Variant Classification Scheme 2023. Collection method: clinical testing. Allele origin: germline.
Comment: The c.7C>A (p.P3T) alteration is located in exon 2 (coding exon 1) of the TELO2 gene. This alteration results from a C to A substitution at nucleotide position 7, causing the proline (P) at amino acid position 3 to be replaced by a threonine (T). The p.P3T alteration is predicted to be tolerated by in silico analysis. Based on insufficient or conflicting evidence, the clinical significance of this alteration remains unclear.